The following is an entry in ClinVar:

NM_005359.6(SMAD4):c.1587A>C (p.Leu529Phe)

Gene: SMAD4 (SMAD family member 4; plus strand). Cytogenetic location: 18q21.2.
Variant type: single nucleotide variant.
Coding change: c.1587A>C on transcript NM_005359.6 (MANE Select); coding-DNA position 1587, A replaced by C.
Protein change: p.Leu529Phe; replaces leucine 529 with phenylalanine.
Molecular consequence: missense variant.
Genome position (GRCh38, 1-based): chr18:51,078,395, A>C. VCF-style: chr18-51078395-A-C. GRCh37 (hg19) VCF-style: chr18-48604765-A-C.
Other names: short protein forms L529F.
Identifiers: ClinVar variation 1401870 (VCV001401870.8), dbSNP rs2144479233, ClinGen allele CA402466097.

ClinVar aggregate classification (germline): Uncertain significance (1 of 4 stars; one submission).

Conditions:
Juvenile polyposis syndrome (JPS). Identifiers: Orphanet 2929, MedGen C0345893, MONDO:0017380, OMIM 174900.

Submission:

Labcorp Genetics (formerly Invitae), Labcorp
Classification: Uncertain significance for Juvenile polyposis syndrome. Last evaluated: 2021-07-24. Review status: criteria provided, single submitter. Criteria: Invitae Variant Classification Sherloc (09022015). Collection method: clinical testing. Allele origin: germline.
Comment: This sequence change replaces leucine with phenylalanine at codon 529 of the SMAD4 protein (p.Leu529Phe). The leucine residue is highly conserved and there is a small physicochemical difference between leucine and phenylalanine. This variant is not present in population databases (ExAC no frequency). This variant has not been reported in the literature in individuals affected with SMAD4-related conditions. Algorithms developed to predict the effect of missense changes on protein structure and function are either unavailable or do not agree on the potential impact of this missense change (SIFT: "Deleterious"; PolyPhen-2: "Probably Damaging"; Align-GVGD: "Class C0"). In summary, the available evidence is currently insufficient to determine the role of this variant in disease. Therefore, it has been classified as a Variant of Uncertain Significance.